The following is an entry in ClinVar:

NM_003590.5(CUL3):c.2231G>A (p.Arg744His)

Gene: CUL3 (cullin 3; minus strand). Cytogenetic location: 2q36.2.
Variant type: single nucleotide variant.
Coding change: c.2231G>A on transcript NM_003590.5 (MANE Select); coding-DNA position 2231, G replaced by A.
Protein change: p.Arg744His; replaces arginine 744 with histidine.
Molecular consequence: missense variant.
Genome position (GRCh38, 1-based): chr2:224,474,321, C>T on the plus strand (G>A on the coding strand, the complement: CUL3 is on the minus strand). VCF-style: chr2-224474321-C-T. GRCh37 (hg19) VCF-style: chr2-225339038-C-T.
Other names: c.2249G>A, p.Arg750His (NM_001257198.2); c.2033G>A, p.Arg678His (NM_001257197.2); short protein forms R678H, R750H, R744H.
Identifiers: ClinVar variation 2780826 (VCV002780826.3), dbSNP rs2106133454, ClinGen allele CA350820378.

ClinVar aggregate classification (germline): Uncertain significance (1 of 4 stars; one submission).

Allele frequency attached by ClinVar (database versions not stated): gnomAD exomes below 0.00001.
gnomAD v4.1: 3 of 1,613,876 alleles (0.00019%); highest among the groups gnomAD compares: Non-Finnish European, 0.00025%; no homozygotes.

Submission:

Labcorp Genetics (formerly Invitae), Labcorp
Classification: Uncertain significance. Last evaluated: 2023-05-22. Review status: criteria provided, single submitter. Criteria: Invitae Variant Classification Sherloc (09022015). Collection method: clinical testing. Allele origin: germline.
Comment: This variant is not present in population databases (gnomAD no frequency). This variant has not been reported in the literature in individuals affected with CUL3-related conditions. This sequence change replaces arginine, which is basic and polar, with histidine, which is basic and polar, at codon 744 of the CUL3 protein (p.Arg744His). Advanced modeling of protein sequence and biophysical properties (such as structural, functional, and spatial information, amino acid conservation, physicochemical variation, residue mobility, and thermodynamic stability) performed at Invitae indicates that this missense variant is expected to disrupt CUL3 protein function. In summary, the available evidence is currently insufficient to determine the role of this variant in disease. Therefore, it has been classified as a Variant of Uncertain Significance.